The following is an entry in ClinVar:

NM_004444.5(EPHB4):c.274T>G (p.Phe92Val)

Gene: EPHB4 (EPH receptor B4; minus strand). Cytogenetic location: 7q22.1.
Variant type: single nucleotide variant.
Coding change: c.274T>G on transcript NM_004444.5 (MANE Select); coding-DNA position 274, T replaced by G.
Protein change: p.Phe92Val; replaces phenylalanine 92 with valine.
Molecular consequence: missense variant.
Genome position (GRCh38, 1-based): chr7:100,823,781, A>C on the plus strand (T>G on the coding strand, the complement: EPHB4 is on the minus strand). VCF-style: chr7-100823781-A-C. GRCh37 (hg19) VCF-style: chr7-100421403-A-C.
Other names: short protein forms F92V.
Identifiers: ClinVar variation 1795555 (VCV001795555.2), dbSNP rs761107018, ClinGen allele CA368583210.

ClinVar aggregate classification (germline): Uncertain significance (1 of 4 stars; one submission).

Conditions:
Cardiovascular phenotype. Identifiers: MedGen CN230736.

Submission:

Ambry Genetics
Classification: Uncertain significance for Cardiovascular phenotype. Last evaluated: 2022-05-02. Review status: criteria provided, single submitter. Criteria: Ambry Variant Classification Scheme 2023. Collection method: clinical testing. Allele origin: germline.
Comment: The p.F92V variant (also known as c.274T>G), located in coding exon 3 of the EPHB4 gene, results from a T to G substitution at nucleotide position 274. The phenylalanine at codon 92 is replaced by valine, an amino acid with highly similar properties. This amino acid position is conserved. In addition, this alteration is predicted to be deleterious by in silico analysis. Since supporting evidence is limited at this time, the clinical significance of this alteration remains unclear.